The following is an entry in ClinVar:

NM_001042681.2(RERE):c.3677G>A (p.Gly1226Asp)

Gene: RERE (arginine-glutamic acid dipeptide repeats; minus strand). Cytogenetic location: 1p36.23.
Variant type: single nucleotide variant.
Coding change: c.3677G>A on transcript NM_001042681.2 (MANE Select); coding-DNA position 3677, G replaced by A.
Protein change: p.Gly1226Asp; replaces glycine 1226 with aspartic acid.
Molecular consequence: missense variant.
Genome position (GRCh38, 1-based): chr1:8,358,858, C>T on the plus strand (G>A on the coding strand, the complement: RERE is on the minus strand). VCF-style: chr1-8358858-C-T. GRCh37 (hg19) VCF-style: chr1-8418918-C-T.
Other names: c.2015G>A, p.Gly672Asp (NM_001042682.2); c.3677G>A, p.Gly1226Asp (NM_012102.4); short protein forms G1226D, G672D.
Identifiers: ClinVar variation 1800703 (VCV001800703.2), dbSNP rs1641424161, ClinGen allele CA338170073.
Genomic context (GRCh38, chr1:8,358,858, plus strand): 5'-ATGTAGGGGGGCACAGCAGCAATGGTGGTTGGTGGTGGCTCGAAGGATGGCCGCATGTGG[C>T]CAGGACCACTGAGCTGTGGGTCACTGAGGCGACCTTCATGCGCTGAGCTGGACGCCTTCT-3'
Protein context (NP_001036146.1, residues 1216-1236): RLSDPQLSGP[Gly1226Asp]HMRPSFEPPP

ClinVar aggregate classification (germline): Uncertain significance (1 of 4 stars; one submission).

Allele frequency attached by ClinVar (database versions not stated): gnomAD exomes below 0.00001; TOPMed 0.00001.
gnomAD v4.1: 2 of 1,595,304 alleles (0.00013%); highest among the groups gnomAD compares: Non-Finnish European, 0.00017%; no homozygotes.

Submission:

GeneDx
Classification: Uncertain significance. Last evaluated: 2024-12-23. Review status: criteria provided, single submitter. Criteria: GeneDx Variant Classification Process June 2021. Collection method: clinical testing. Allele origin: germline.
Comment: Not observed at significant frequency in large population cohorts (gnomAD); In silico analysis indicates that this missense variant does not alter protein structure/function; Has not been previously published as pathogenic or benign to our knowledge